The following is an entry in ClinVar:

ClinVar aggregate classification (germline): Uncertain significance (1 of 4 stars; one submission).

Conditions:
Haddad syndrome (OHD). Also called: Ondine-Hirschsprung disease. Identifiers: Orphanet 99803, MedGen C1859049, MONDO:0020493.

Submission:

Labcorp Genetics (formerly Invitae), Labcorp
Classification: Uncertain significance for Haddad syndrome. Last evaluated: 2022-02-02. Review status: criteria provided, single submitter. Criteria: Invitae Variant Classification Sherloc (09022015). Collection method: clinical testing. Allele origin: germline.
Comment: In summary, the available evidence is currently insufficient to determine the role of this variant in disease. Therefore, it has been classified as a Variant of Uncertain Significance. Algorithms developed to predict the effect of missense changes on protein structure and function are either unavailable or do not agree on the potential impact of this missense change (SIFT: "Tolerated"; PolyPhen-2: "Not Available"; Align-GVGD: "Class C0"). This variant has not been reported in the literature in individuals affected with PHOX2B-related conditions. This variant is not present in population databases (gnomAD no frequency). This sequence change replaces alanine, which is neutral and non-polar, with threonine, which is neutral and polar, at codon 241 of the PHOX2B protein (p.Ala241Thr).

NM_003924.4(PHOX2B):c.721G>A (p.Ala241Thr)

Gene: PHOX2B (paired like homeobox 2B; minus strand). Cytogenetic location: 4p13.
Variant type: single nucleotide variant.
Coding change: c.721G>A on transcript NM_003924.4 (MANE Select); coding-DNA position 721, G replaced by A.
Protein change: p.Ala241Thr; replaces alanine 241 with threonine.
Molecular consequence: missense variant.
Genome position (GRCh38, 1-based): chr4:41,746,031, C>T on the plus strand (G>A on the coding strand, the complement: PHOX2B is on the minus strand). VCF-style: chr4-41746031-C-T. GRCh37 (hg19) VCF-style: chr4-41748048-C-T.
Other names: short protein forms A241T.
Identifiers: ClinVar variation 2091944 (VCV002091944.4), dbSNP rs2552096828, ClinGen allele CA356737275.